The following is an entry in ClinVar:

NM_000939.4(POMC):c.711C>T (p.Tyr237=)

Gene: POMC (proopiomelanocortin; minus strand). Cytogenetic location: 2p23.3.
Variant type: single nucleotide variant.
Coding change: c.711C>T on transcript NM_000939.4 (MANE Select); coding-DNA position 711, C replaced by T.
Protein change: p.Tyr237=; no amino-acid change (tyrosine 237 retained).
Molecular consequence: synonymous variant.
Genome position (GRCh38, 1-based): chr2:25,161,174, G>A on the plus strand (C>T on the coding strand, the complement: POMC is on the minus strand). VCF-style: chr2-25161174-G-A. GRCh37 (hg19) VCF-style: chr2-25384043-G-A.
Other names: c.711C>T, p.Tyr237= (NM_001035256.3, NM_001319204.2, NM_001319205.2).
Identifiers: ClinVar variation 5000606 (VCV005000606.1).

ClinVar aggregate classification (germline): Likely benign (1 of 4 stars; one submission).

Conditions:
POMC-related disorder. Also called: POMC-related disorders; POMC-related condition.

gnomAD v4.1: 4 of 1,613,898 alleles (0.00025%); highest among the groups gnomAD compares: Non-Finnish European, 0.00025%; no homozygotes.

Submission:

PreventionGenetics, part of Exact Sciences
Classification: Likely benign for POMC-related condition. Last evaluated: 2024-12-05. Review status: criteria provided, single submitter. Criteria: ACMG Guidelines, 2015. Collection method: clinical testing. Allele origin: germline.
Comment: This variant is classified as likely benign based on ACMG/AMP sequence variant interpretation guidelines (Richards et al. 2015 PMID: 25741868, with internal and published modifications).